The following is an entry in ClinVar:

NM_002972.4(SBF1):c.47A>G (p.His16Arg)

Gene: SBF1 (SET binding factor 1; minus strand). Cytogenetic location: 22q13.33.
Variant type: single nucleotide variant.
Coding change: c.47A>G on transcript NM_002972.4 (MANE Select); coding-DNA position 47, A replaced by G.
Protein change: p.His16Arg; replaces histidine 16 with arginine.
Molecular consequence: missense variant.
Genome position (GRCh38, 1-based): chr22:50,474,794, T>C on the plus strand (A>G on the coding strand, the complement: SBF1 is on the minus strand). VCF-style: chr22-50474794-T-C. GRCh37 (hg19) VCF-style: chr22-50913223-T-C.
Other names: c.47A>G, p.His16Arg (NM_001365819.1); short protein forms H16R.
Identifiers: ClinVar variation 1393940 (VCV001393940.6), dbSNP rs2068120925, ClinGen allele CA412225242.

ClinVar aggregate classification (germline): Uncertain significance (1 of 4 stars; one submission).

Allele frequency attached by ClinVar (database versions not stated): gnomAD exomes below 0.00001; gnomAD 0.00001.
gnomAD v4.1: 3 of 1,459,194 alleles (0.00021%); highest among the groups gnomAD compares: East Asian, 0.0031%; no homozygotes.

Submission:

Labcorp Genetics (formerly Invitae), Labcorp
Classification: Uncertain significance. Last evaluated: 2021-12-17. Review status: criteria provided, single submitter. Criteria: Invitae Variant Classification Sherloc (09022015). Collection method: clinical testing. Allele origin: germline.
Comment: In summary, the available evidence is currently insufficient to determine the role of this variant in disease. Therefore, it has been classified as a Variant of Uncertain Significance. Algorithms developed to predict the effect of missense changes on protein structure and function (SIFT, PolyPhen-2, Align-GVGD) all suggest that this variant is likely to be tolerated. This variant has not been reported in the literature in individuals affected with SBF1-related conditions. This variant is not present in population databases (gnomAD no frequency). This sequence change replaces histidine, which is basic and polar, with arginine, which is basic and polar, at codon 16 of the SBF1 protein (p.His16Arg).